The following is an entry in ClinVar:

ClinVar aggregate classification (germline): Benign (1 of 4 stars; one submission).

Conditions:
Woodhouse-Sakati syndrome. Also called: Hypogonadism, Alopecia, Diabetes Mellitus, Mental Retardation, and Extrapyramidal Syndrome; Hypogonadism, diabetes mellitus, alopecia, mental retardation and electrocardiographic abnormalities; EXTRAPYRAMIDAL DISORDER, PROGRESSIVE, WITH PRIMARY HYPOGONADISM, MENTAL RETARDATION, AND ALOPECIA. Identifiers: Orphanet 3464, MedGen C0342286, MONDO:0009419, OMIM 241080.

Allele frequency attached by ClinVar (database versions not stated): gnomAD exomes 0.00299 and 0.00176; gnomAD 0.01423 and 0.01515; ExAC 0.00093; TOPMed 0.01616; 1000 Genomes Project 0.01977; 1000 Genomes Project 30x 0.02046.
gnomAD v4.1: 2,688 of 453,990 alleles (0.59%); highest among the groups gnomAD compares: African/African-American, 4.9%; 66 homozygotes.

Submission:

Illumina Laboratory Services, Illumina
Classification: Benign for Woodhouse-Sakati syndrome. Last evaluated: 2018-01-12. Review status: criteria provided, single submitter. Criteria: ICSL Variant Classification Criteria 13 December 2019. Collection method: clinical testing. Allele origin: germline.
Comment: This variant was observed in the ICSL laboratory as part of a predisposition screen in an ostensibly healthy population. It had not been previously curated by ICSL or reported in the Human Gene Mutation Database (HGMD: prior to June 1st, 2018), and was therefore a candidate for classification through an automated scoring system. Utilizing variant allele frequency, disease prevalence and penetrance estimates, and inheritance mode, an automated score was calculated to assess if this variant is too frequent to cause the disease. Based on the score and internal cut-off values, a variant classified as benign is not then subjected to further curation. The score for this variant resulted in a classification of benign for this disease.

NM_025000.4(DCAF17):c.*3712A>G

Gene: DCAF17 (DDB1 and CUL4 associated factor 17; plus strand). Cytogenetic location: 2q31.1.
Variant type: single nucleotide variant.
Coding change: c.*3712A>G on transcript NM_025000.4 (MANE Select); 3712 bases downstream of the stop codon, A replaced by G.
Molecular consequence: 3 prime UTR variant. On other transcripts: non-coding transcript variant (1).
Genome position (GRCh38, 1-based): chr2:171,484,826, A>G. VCF-style: chr2-171484826-A-G. GRCh37 (hg19) VCF-style: chr2-172341336-A-G.
Other names: c.*3712A>G (NM_001164821.2).
Identifiers: ClinVar variation 332315 (VCV000332315.5), dbSNP rs74780004, ClinGen allele CA1965166.
Genomic context (GRCh38, chr2:171,484,826, plus strand): 5'-TATAACTACTGTTCTCATTCTTTTATATCAAAGGTTAAATTTACCTGTTCTAAACTTCAT[A>G]TGAGTGAAATTATACAAAATGTAATGCTTCTTTCACTTAGCATAATGTTTTTGAGATTTA-3'